The following is an entry in ClinVar:

NM_032638.5(GATA2):c.582C>T (p.Ala194=)

Gene: GATA2 (GATA binding protein 2; minus strand). Cytogenetic location: 3q21.3.
Variant type: single nucleotide variant.
Coding change: c.582C>T on transcript NM_032638.5 (MANE Select); coding-DNA position 582, C replaced by T.
Protein change: p.Ala194=; no amino-acid change (alanine 194 retained).
Molecular consequence: synonymous variant.
Genome position (GRCh38, 1-based): chr3:128,486,016, G>A on the plus strand (C>T on the coding strand, the complement: GATA2 is on the minus strand). VCF-style: chr3-128486016-G-A. GRCh37 (hg19) VCF-style: chr3-128204859-G-A.
Other names: c.582C>T, p.Ala194= (NM_001145661.2, NM_001145662.1); c.582C>T (NM_032638.4).
Identifiers: ClinVar variation 1133062 (VCV001133062.33), dbSNP rs748710414, ClinGen allele CA2599996.

ClinVar aggregate classification (germline): Likely benign. Review status: criteria provided, multiple submitters, no conflicts (2 of 4 stars). 3 submissions from 3 submitters: Likely benign (3). Last evaluated 2024-11-22.

Conditions:
Deafness-lymphedema-leukemia syndrome. Also called: Emberger syndrome; Lymphedema, primary, with myelodysplasia. Identifiers: Orphanet 3226, MedGen C3279664, MONDO:0013540, OMIM 614038.
Monocytopenia with susceptibility to infections. Also called: GATA2 DEFICIENCY; MONOCYTOPENIA AND MYCOBACTERIAL INFECTION SYNDROME; MONOCYTOPENIA WITH SUSCEPTIBILITY TO MYCOBACTERIAL, FUNGAL, AND PAPILLOMAVIRUS INFECTIONS AND MYELODYSPLASIA; COMBINED IMMUNODEFICIENCY WITH SUSCEPTIBILITY TO MYCOBACTERIAL, VIRAL, AND FUNGAL INFECTIONS; Dendritic cell, monocyte, B lymphocyte, and natural killer lymphocyte deficiency; IMMUNODEFICIENCY 21. Identifiers: Orphanet 228423, MedGen C3280030, MONDO:0013607, OMIM 614172.
Inborn genetic diseases. Identifiers: MedGen C0950123, MeSH D030342.

Allele frequency attached by ClinVar (database versions not stated): gnomAD exomes below 0.00001 and 0.00001; ExAC 0.00001.

Submissions (3):

Ambry Genetics
Classification: Likely benign for Inborn genetic diseases. Last evaluated: 2024-11-22. Review status: criteria provided, single submitter. Criteria: Ambry Variant Classification Scheme 2023. Collection method: clinical testing. Allele origin: germline.

Labcorp Genetics (formerly Invitae), Labcorp
Classification: Likely benign for Monocytopenia with susceptibility to infections; Deafness-lymphedema-leukemia syndrome. Last evaluated: 2024-02-17. Review status: criteria provided, single submitter. Criteria: Invitae Variant Classification Sherloc (09022015). Collection method: clinical testing. Allele origin: germline.

CeGaT Center for Human Genetics Tuebingen
Classification: Likely benign. Last evaluated: 2022-09-01. Review status: criteria provided, single submitter. Criteria: CeGaT Center For Human Genetics Tuebingen Variant Classification Criteria Version 2. Collection method: clinical testing. Allele origin: germline. Affected: yes. Observed: 1 variant allele.
Comment: GATA2: BP4, BP7